The following is an entry in ClinVar:

ClinVar aggregate classification (germline): Uncertain significance. Review status: criteria provided, multiple submitters, no conflicts (2 of 4 stars). 2 submissions from 2 submitters: Uncertain significance (2). Last evaluated 2025-08-26.

Conditions:
Landau-Kleffner syndrome (FESD). Also called: APHASIA, ACQUIRED, WITH EPILEPSY; EPILEPSY, FOCAL, WITH SPEECH DISORDER AND WITH OR WITHOUT MENTAL RETARDATION. Identifiers: Orphanet 1945, Orphanet 725, Orphanet 98818, MedGen C0282512, MONDO:0009509, OMIM 245570.

Allele frequency attached by ClinVar (database versions not stated): TOPMed below 0.00001.
gnomAD v4.1: 9 of 1,602,136 alleles (0.00056%); highest among the groups gnomAD compares: Middle Eastern, 0.017%; no homozygotes.

Submissions (2):

Labcorp Genetics (formerly Invitae), Labcorp
Classification: Uncertain significance for Landau-Kleffner syndrome. Last evaluated: 2025-08-26. Review status: criteria provided, single submitter. Criteria: Invitae Variant Classification Sherloc (09022015). Collection method: clinical testing. Allele origin: germline.
Comment: This sequence change replaces proline, which is neutral and non-polar, with threonine, which is neutral and polar, at codon 140 of the GRIN2A protein (p.Pro140Thr). This variant is not present in population databases (gnomAD no frequency). This variant has not been reported in the literature in individuals affected with GRIN2A-related conditions. ClinVar contains an entry for this variant (Variation ID: 838970). Invitae Evidence Modeling of protein sequence and biophysical properties (such as structural, functional, and spatial information, amino acid conservation, physicochemical variation, residue mobility, and thermodynamic stability) indicates that this missense variant is not expected to disrupt GRIN2A protein function with a negative predictive value of 95%. In summary, the available evidence is currently insufficient to determine the role of this variant in disease. Therefore, it has been classified as a Variant of Uncertain Significance.

CeGaT Center for Human Genetics Tuebingen
Classification: Uncertain significance. Last evaluated: 2024-06-01. Review status: criteria provided, single submitter. Criteria: CeGaT Center For Human Genetics Tuebingen Variant Classification Criteria Version 2. Collection method: clinical testing. Allele origin: germline. Affected: yes. Observed: 1 variant allele.
Comment: GRIN2A: PM2, PM5:Supporting, BP4

NM_001134407.3(GRIN2A):c.418C>A (p.Pro140Thr)

Gene: GRIN2A (glutamate ionotropic receptor NMDA type subunit 2A; minus strand). Cytogenetic location: 16p13.2.
Variant type: single nucleotide variant.
Coding change: c.418C>A on transcript NM_001134407.3 (MANE Select); coding-DNA position 418, C replaced by A.
Protein change: p.Pro140Thr; replaces proline 140 with threonine.
Molecular consequence: missense variant.
Genome position (GRCh38, 1-based): chr16:9,938,548, G>T on the plus strand (C>A on the coding strand, the complement: GRIN2A is on the minus strand). VCF-style: chr16-9938548-G-T. GRCh37 (hg19) VCF-style: chr16-10032405-G-T.
Other names: c.418C>A, p.Pro140Thr (NM_000833.5, NM_001134408.2); short protein forms P140T.
Identifiers: ClinVar variation 838970 (VCV000838970.28), dbSNP rs776317814, ClinGen allele CA394799682.